The following is an entry in ClinVar:

ClinVar aggregate classification (germline): Uncertain significance. Review status: criteria provided, multiple submitters, no conflicts (2 of 4 stars). 2 submissions from 2 submitters: Uncertain significance (2). Last evaluated 2025-12-29.

Conditions:
Autosomal dominant nonsyndromic hearing loss 65. Also called: Deafness, autosomal dominant 65; TBC1D24-Related Autosomal Dominant Nonsyndromic Hearing Loss (DFNA). Identifiers: Orphanet 90635, MedGen C3892048, MONDO:0014470, OMIM 616044.
Developmental and epileptic encephalopathy, 1 (DEE1). Also called: Epileptic encephalopathy, early infantile, 1; X-linked infantile spasms; West's syndrome; Tonic spasms with clustering, arrest of psychomotor development and hypsarrhythmia on EEG; X-Linked Infantile Spasm Syndrome; INFANTILE SPASM SYNDROME, X-LINKED 1. Identifiers: MedGen C3463992, MONDO:0010632, OMIM 308350. Disease mechanism: loss of function.
TBC1D24-related disorder. Also called: TBC1D24-related disorders; TBC1D24-related condition. Identifiers: MedGen CN381194.

Allele frequency attached by ClinVar (database versions not stated): TOPMed below 0.00001; gnomAD 0.00001.
gnomAD v4.1: 1 of 1,613,842 alleles (0.000062%); highest among the groups gnomAD compares: Admixed American, 0.0017%; no homozygotes.

Submissions (2):

PreventionGenetics, part of Exact Sciences
Classification: Uncertain significance for TBC1D24-related condition. Last evaluated: 2025-12-29. Review status: criteria provided, single submitter. Criteria: ACMG Guidelines, 2015. Collection method: clinical testing. Allele origin: germline.
Comment: The TBC1D24 c.1288T>C variant is predicted to result in the amino acid substitution p.Cys430Arg. This variant was reported in an individual with myoclonic epilepsy (described as p.Cys424Arg, eTable 2, Lee et al. 2014. PubMed ID: 25326637). This variant has not been reported in a large population database (gnomAD), indicating this variant is rare. At this time, the clinical significance of this variant is uncertain due to the absence of conclusive functional and genetic evidence.

Labcorp Genetics (formerly Invitae), Labcorp
Classification: Uncertain significance for Developmental and epileptic encephalopathy, 1; Autosomal dominant nonsyndromic hearing loss 65. Last evaluated: 2022-12-31. Review status: criteria provided, single submitter. Criteria: Invitae Variant Classification Sherloc (09022015). Collection method: clinical testing. Allele origin: germline.
Comment: In summary, the available evidence is currently insufficient to determine the role of this variant in disease. Therefore, it has been classified as a Variant of Uncertain Significance. Advanced modeling of protein sequence and biophysical properties (such as structural, functional, and spatial information, amino acid conservation, physicochemical variation, residue mobility, and thermodynamic stability) performed at Invitae indicates that this missense variant is expected to disrupt TBC1D24 protein function. ClinVar contains an entry for this variant (Variation ID: 242486). This variant is also known as p.Cys424Arg. This missense change has been observed in individual(s) with clinical features of TBC1D24-related conditions (PMID: 25326637). This variant is not present in population databases (gnomAD no frequency). This sequence change replaces cysteine, which is neutral and slightly polar, with arginine, which is basic and polar, at codon 430 of the TBC1D24 protein (p.Cys430Arg).

Literature cited by the submitters: PubMed 25326637 (cited by Labcorp Genetics (formerly Invitae), Labcorp).

NM_001199107.2(TBC1D24):c.1288T>C (p.Cys430Arg)

Gene: TBC1D24 (TBC1 domain family member 24; plus strand). Cytogenetic location: 16p13.3.
Variant type: single nucleotide variant.
Coding change: c.1288T>C on transcript NM_001199107.2 (MANE Select); coding-DNA position 1288, T replaced by C.
Protein change: p.Cys430Arg; replaces cysteine 430 with arginine.
Molecular consequence: missense variant.
Genome position (GRCh38, 1-based): chr16:2,499,916, T>C. VCF-style: chr16-2499916-T-C. GRCh37 (hg19) VCF-style: chr16-2549917-T-C.
Other names: c.1270T>C, p.Cys424Arg (NM_020705.3); c.1288T>C (NM_001199107.1); short protein forms C424R, C430R.
Identifiers: ClinVar variation 242486 (VCV000242486.7), dbSNP rs863224932, ClinGen allele CA354165.